The following is an entry in ClinVar:

ClinVar aggregate classification (germline): Conflicting classifications of pathogenicity. Review status: criteria provided, conflicting classifications (1 of 4 stars). 2 submissions from 2 submitters: Uncertain significance (1); Likely benign (1). Last evaluated 2024-04-11.

Conditions:
3-hydroxyisobutyryl-CoA hydrolase deficiency. Also called: Reduced circulating 3-hydroxyisobutyryl-CoA hydrolase activity; Deficiency of 3-hydroxyisobutyryl CoA hydrolase; VALINE METABOLIC DEFECT; HIBCH DEFICIENCY; METHACRYLIC ACID TOXICITY; METHACRYLIC ACIDURIA. Identifiers: Orphanet 88639, MedGen C0342738, MONDO:0009603, OMIM 250620, HP:6000215.

Allele frequency attached by ClinVar (database versions not stated): gnomAD exomes below 0.00001.
gnomAD v4.1: 1 of 1,612,782 alleles (0.000062%); highest among the groups gnomAD compares: Non-Finnish European, 0.000085%; no homozygotes.

Submissions (2):

Labcorp Genetics (formerly Invitae), Labcorp
Classification: Uncertain significance for 3-hydroxyisobutyryl-CoA hydrolase deficiency. Last evaluated: 2024-04-11. Review status: criteria provided, single submitter. Criteria: Invitae Variant Classification Sherloc (09022015). Collection method: clinical testing. Allele origin: germline.
Comment: This sequence change falls in intron 12 of the HIBCH gene. It does not directly change the encoded amino acid sequence of the HIBCH protein. The frequency data for this variant in the population databases is considered unreliable, as metrics indicate poor data quality at this position in the gnomAD database. This variant has not been reported in the literature in individuals affected with HIBCH-related conditions. ClinVar contains an entry for this variant (Variation ID: 518029). Algorithms developed to predict the effect of sequence changes on RNA splicing suggest that this variant may disrupt the consensus splice site. In summary, the available evidence is currently insufficient to determine the role of this variant in disease. Therefore, it has been classified as a Variant of Uncertain Significance.

GeneDx
Classification: Likely benign. Last evaluated: 2017-06-20. Review status: criteria provided, single submitter. Criteria: GeneDx Variant Classification (06012015). Collection method: clinical testing. Allele origin: germline. Affected: yes.
Comment: This variant is considered likely benign or benign based on one or more of the following criteria: it is a conservative change, it occurs at a poorly conserved position in the protein, it is predicted to be benign by multiple in silico algorithms, and/or has population frequency not consistent with disease.

NM_014362.4(HIBCH):c.1012-10T>G

Gene: HIBCH (3-hydroxyisobutyryl-CoA hydrolase; minus strand). Cytogenetic location: 2q32.2.
Variant type: single nucleotide variant.
Coding change: c.1012-10T>G on transcript NM_014362.4 (MANE Select); 10 bases into the intron before coding-DNA position 1012, T replaced by G.
Molecular consequence: intron variant.
Genome position (GRCh38, 1-based): chr2:190,208,923, A>C on the plus strand (T>G on the coding strand, the complement: HIBCH is on the minus strand). VCF-style: chr2-190208923-A-C. GRCh37 (hg19) VCF-style: chr2-191073649-A-C.
Other names: c.1012-3691T>G (NM_198047.3).
Identifiers: ClinVar variation 518029 (VCV000518029.5), dbSNP rs1246020574, ClinGen allele CA538462694.